The following is an entry in ClinVar:

ClinVar aggregate classification (germline): Uncertain significance (1 of 4 stars; one submission).

Allele frequency attached by ClinVar (database versions not stated): TOPMed 0.00001.
gnomAD v4.1: 2 of 1,513,720 alleles (0.00013%); highest among the groups gnomAD compares: Non-Finnish European, 0.00018%; no homozygotes.

Submission:

Labcorp Genetics (formerly Invitae), Labcorp
Classification: Uncertain significance. Last evaluated: 2024-06-10. Review status: criteria provided, single submitter. Criteria: Invitae Variant Classification Sherloc (09022015). Collection method: clinical testing. Allele origin: germline.
Comment: This sequence change replaces aspartic acid, which is acidic and polar, with histidine, which is basic and polar, at codon 242 of the KISS1R protein (p.Asp242His). This variant is not present in population databases (gnomAD no frequency). This variant has not been reported in the literature in individuals affected with KISS1R-related conditions. ClinVar contains an entry for this variant (Variation ID: 1522500). An algorithm developed to predict the effect of missense changes on protein structure and function (PolyPhen-2) suggests that this variant is likely to be tolerated. In summary, the available evidence is currently insufficient to determine the role of this variant in disease. Therefore, it has been classified as a Variant of Uncertain Significance.

NM_032551.5(KISS1R):c.724G>C (p.Asp242His)

Gene: KISS1R (KISS1 receptor; plus strand). Cytogenetic location: 19p13.3.
Variant type: single nucleotide variant.
Coding change: c.724G>C on transcript NM_032551.5 (MANE Select); coding-DNA position 724, G replaced by C.
Protein change: p.Asp242His; replaces aspartic acid 242 with histidine.
Molecular consequence: missense variant.
Genome position (GRCh38, 1-based): chr19:920,092, G>C. VCF-style: chr19-920092-G-C. GRCh37 (hg19) VCF-style: chr19-920092-G-C.
Other names: short protein forms D242H.
Identifiers: ClinVar variation 1522500 (VCV001522500.6), dbSNP rs1301565926, ClinGen allele CA402916200.